The following is an entry in ClinVar:

NM_005228.5(EGFR):c.2230A>C (p.Ile744Leu)

Gene: EGFR (epidermal growth factor receptor; plus strand). Cytogenetic location: 7p11.2.
Variant type: single nucleotide variant.
Coding change: c.2230A>C on transcript NM_005228.5 (MANE Select); coding-DNA position 2230, A replaced by C.
Protein change: p.Ile744Leu; replaces isoleucine 744 with leucine.
Molecular consequence: missense variant.
Genome position (GRCh38, 1-based): chr7:55,174,767, A>C. VCF-style: chr7-55174767-A-C. GRCh37 (hg19) VCF-style: chr7-55242460-A-C.
Other names: c.2095A>C, p.Ile699Leu (NM_001346897.2, NM_001346899.2); c.2230A>C, p.Ile744Leu (NM_001346898.2); c.2071A>C, p.Ile691Leu (NM_001346900.2); c.1429A>C, p.Ile477Leu (NM_001346941.2); short protein forms I699L, I477L, I691L, I744L.
Identifiers: ClinVar variation 2800686 (VCV002800686.3), dbSNP rs1554348865, ClinGen allele CA367584127.

ClinVar aggregate classification (germline): Uncertain significance (1 of 4 stars; one submission).

Conditions:
EGFR-related lung cancer (EGFR). Identifiers: MedGen CN130014.

Submission:

Labcorp Genetics (formerly Invitae), Labcorp
Classification: Uncertain significance for EGFR-related lung cancer. Last evaluated: 2023-02-04. Review status: criteria provided, single submitter. Criteria: Invitae Variant Classification Sherloc (09022015). Collection method: clinical testing. Allele origin: germline.
Comment: This sequence change replaces isoleucine, which is neutral and non-polar, with leucine, which is neutral and non-polar, at codon 744 of the EGFR protein (p.Ile744Leu). This variant is not present in population databases (gnomAD no frequency). This variant has not been reported in the literature in individuals affected with EGFR-related conditions. Advanced modeling of protein sequence and biophysical properties (such as structural, functional, and spatial information, amino acid conservation, physicochemical variation, residue mobility, and thermodynamic stability) performed at Invitae indicates that this missense variant is expected to disrupt EGFR protein function. In summary, the available evidence is currently insufficient to determine the role of this variant in disease. Therefore, it has been classified as a Variant of Uncertain Significance.